The following is an entry in ClinVar:

ClinVar aggregate classification (germline): Uncertain significance. Review status: criteria provided, multiple submitters, no conflicts (2 of 4 stars). 2 submissions from 2 submitters: Uncertain significance (2). Last evaluated 2022-03-09.

Conditions:
Norman-Roberts syndrome (LIS2). Also called: Lissencephaly 2 (Norman-Roberts type). Identifiers: Orphanet 89844, MedGen C0796089, MONDO:0009760, OMIM 257320.
Familial temporal lobe epilepsy 7. Identifiers: Orphanet 101046, MedGen C4225327, MONDO:0014639, OMIM 616436.

Submissions (2):

Labcorp Genetics (formerly Invitae), Labcorp
Classification: Uncertain significance for Familial temporal lobe epilepsy 7; Norman-Roberts syndrome. Last evaluated: 2022-03-09. Review status: criteria provided, single submitter. Criteria: Invitae Variant Classification Sherloc (09022015). Collection method: clinical testing. Allele origin: germline.
Comment: ClinVar contains an entry for this variant (Variation ID: 1299088). This variant has not been reported in the literature in individuals affected with RELN-related conditions. This variant is not present in population databases (gnomAD no frequency). This sequence change replaces arginine, which is basic and polar, with serine, which is neutral and polar, at codon 550 of the RELN protein (p.Arg550Ser). Algorithms developed to predict the effect of missense changes on protein structure and function are either unavailable or do not agree on the potential impact of this missense change (SIFT: "Deleterious"; PolyPhen-2: "Benign"; Align-GVGD: "Class C0"). In summary, the available evidence is currently insufficient to determine the role of this variant in disease. Therefore, it has been classified as a Variant of Uncertain Significance.

CeGaT Center for Human Genetics Tuebingen
Classification: Uncertain significance. Last evaluated: 2021-10-01. Review status: criteria provided, single submitter. Criteria: CeGaT Center For Human Genetics Tuebingen Variant Classification Criteria Version 2. Collection method: clinical testing. Allele origin: germline. Affected: yes. Observed: 2 variant alleles.

NM_005045.4(RELN):c.1650G>C (p.Arg550Ser)

Gene: RELN (reelin; minus strand). Cytogenetic location: 7q22.1.
Variant type: single nucleotide variant.
Coding change: c.1650G>C on transcript NM_005045.4 (MANE Select); coding-DNA position 1650, G replaced by C.
Protein change: p.Arg550Ser; replaces arginine 550 with serine.
Molecular consequence: missense variant.
Genome position (GRCh38, 1-based): chr7:103,652,664, C>G on the plus strand (G>C on the coding strand, the complement: RELN is on the minus strand). VCF-style: chr7-103652664-C-G. GRCh37 (hg19) VCF-style: chr7-103293111-C-G.
Other names: c.1650G>C, p.Arg550Ser (NM_173054.3); short protein forms R550S.
Identifiers: ClinVar variation 1299088 (VCV001299088.39), dbSNP rs2117391616, ClinGen allele CA368765704.